The following is an entry in ClinVar:

NM_006922.4(SCN3A):c.3589A>G (p.Lys1197Glu)

Gene: SCN3A (sodium voltage-gated channel alpha subunit 3; minus strand). Cytogenetic location: 2q24.3.
Variant type: single nucleotide variant.
Coding change: c.3589A>G on transcript NM_006922.4 (MANE Select); coding-DNA position 3589, A replaced by G.
Protein change: p.Lys1197Glu; replaces lysine 1197 with glutamic acid.
Molecular consequence: missense variant.
Genome position (GRCh38, 1-based): chr2:165,113,896, T>C on the plus strand (A>G on the coding strand, the complement: SCN3A is on the minus strand). VCF-style: chr2-165113896-T-C. GRCh37 (hg19) VCF-style: chr2-165970406-T-C.
Other names: c.3442A>G, p.Lys1148Glu (NM_001081676.2, NM_001081677.2); short protein forms K1197E, K1148E.
Identifiers: ClinVar variation 661826 (VCV000661826.33), dbSNP rs530839611, ClinGen allele CA1938752.

ClinVar aggregate classification (germline): Uncertain significance. Review status: criteria provided, multiple submitters, no conflicts (2 of 4 stars). 2 submissions from 2 submitters: Uncertain significance (2). Last evaluated 2025-06-02.

Conditions:
Epilepsy, focal, SCN3A related.
Developmental and epileptic encephalopathy, 62. Also called: Early infantile epileptic encephalopathy 62. Identifiers: MedGen C4693699, MONDO:0033371, OMIM 617938.

Allele frequency attached by ClinVar (database versions not stated): gnomAD exomes 0.00003 and 0.00008; TOPMed 0.00003; ExAC 0.00005; gnomAD 0.00007 and 0.00008.
gnomAD v4.1: 125 of 1,613,688 alleles (0.0077%); highest among the groups gnomAD compares: Non-Finnish European, 0.01%; no homozygotes.

Submissions (2):

Labcorp Genetics (formerly Invitae), Labcorp
Classification: Uncertain significance. Last evaluated: 2025-06-02. Review status: criteria provided, single submitter. Criteria: Invitae Variant Classification Sherloc (09022015). Collection method: clinical testing. Allele origin: germline.
Comment: This sequence change replaces lysine, which is basic and polar, with glutamic acid, which is acidic and polar, at codon 1197 of the SCN3A protein (p.Lys1197Glu). This variant is present in population databases (rs530839611, gnomAD 0.006%). This variant has not been reported in the literature in individuals affected with SCN3A-related conditions. ClinVar contains an entry for this variant (Variation ID: 661826). Invitae Evidence Modeling of protein sequence and biophysical properties (such as structural, functional, and spatial information, amino acid conservation, physicochemical variation, residue mobility, and thermodynamic stability) has been performed for this missense variant. However, the output from this modeling did not meet the statistical confidence thresholds required to predict the impact of this variant on SCN3A protein function. In summary, the available evidence is currently insufficient to determine the role of this variant in disease. Therefore, it has been classified as a Variant of Uncertain Significance.

CeGaT Center for Human Genetics Tuebingen
Classification: Uncertain significance. Last evaluated: 2024-01-01. Review status: criteria provided, single submitter. Criteria: CeGaT Center For Human Genetics Tuebingen Variant Classification Criteria Version 2. Collection method: clinical testing. Allele origin: germline. Affected: yes. Observed: 1 variant allele.
Comment: SCN3A: PM2:Supporting, PP3